The following is an entry in ClinVar:

NM_003070.5(SMARCA2):c.844G>A (p.Ala282Thr)

Gene: SMARCA2 (SWI/SNF related BAF chromatin remodeling complex subunit ATPase 2; plus strand). Cytogenetic location: 9p24.3.
Variant type: single nucleotide variant.
Coding change: c.844G>A on transcript NM_003070.5 (MANE Select); coding-DNA position 844, G replaced by A.
Protein change: p.Ala282Thr; replaces alanine 282 with threonine.
Molecular consequence: missense variant.
Genome position (GRCh38, 1-based): chr9:2,047,282, G>A. VCF-style: chr9-2047282-G-A. GRCh37 (hg19) VCF-style: chr9-2047282-G-A.
Other names: c.844G>A, p.Ala282Thr (NM_139045.4, NM_001289396.2, NM_001289397.2); short protein forms A282T.
Identifiers: ClinVar variation 588156 (VCV000588156.20), dbSNP rs929861388, ClinGen allele CA187900991.

ClinVar aggregate classification (germline): Benign/Likely benign. Review status: criteria provided, multiple submitters, no conflicts (2 of 4 stars). 6 submissions from 6 submitters: Benign (3); Likely benign (2). 1 of the submissions does not count toward it. Last evaluated 2026-06-01.

Conditions:
SMARCA2-related disorder. Also called: SMARCA2-related condition.
Inborn genetic diseases. Identifiers: MedGen C0950123, MeSH D030342.

Allele frequency attached by ClinVar (database versions not stated): gnomAD exomes 0.00012; 1000 Genomes Project 30x 0.00109; gnomAD 0.00118 and 0.00122; TOPMed 0.00143.
gnomAD v4.1: 278 of 992,024 alleles (0.028%); highest among the groups gnomAD compares: African/African-American, 0.4%; 2 homozygotes.

Submissions (6):

CeGaT Center for Human Genetics Tuebingen
Classification: Likely benign. Last evaluated: 2026-06-01. Review status: criteria provided, single submitter. Criteria: CeGaT Center For Human Genetics Tuebingen Variant Classification Criteria Version 2. Collection method: clinical testing. Allele origin: germline. Affected: yes. Observed: 1 variant allele.
Comment: SMARCA2: PP2, BS1

Labcorp Genetics (formerly Invitae), Labcorp
Classification: Benign. Last evaluated: 2026-01-26. Review status: criteria provided, single submitter. Criteria: Invitae Variant Classification Sherloc (09022015). Collection method: clinical testing. Allele origin: germline.

Blueprint Genetics
Classification: Likely benign. Last evaluated: 2024-09-23. Review status: criteria provided, single submitter. Criteria: ACMG Guidelines, 2015. Collection method: clinical testing. Allele origin: germline.

Ambry Genetics
Classification: Benign for Inborn genetic diseases. Last evaluated: 2020-12-08. Review status: criteria provided, single submitter. Criteria: Ambry Variant Classification Scheme 2023. Collection method: clinical testing. Allele origin: germline.

GeneDx
Classification: Benign. Last evaluated: 2019-08-02. Review status: criteria provided, single submitter. Criteria: GeneDx Variant Classification Process June 2021. Collection method: clinical testing. Allele origin: germline. Affected: yes.

PreventionGenetics, part of Exact Sciences
Classification: Likely benign for SMARCA2-related condition. Last evaluated: 2023-07-30. Review status: no assertion criteria provided. Collection method: clinical testing. Allele origin: germline. Not counted in ClinVar's aggregate classification.
Comment: This variant is classified as likely benign based on ACMG/AMP sequence variant interpretation guidelines (Richards et al. 2015 PMID: 25741868, with internal and published modifications).